The following is an entry in ClinVar:

NM_005732.4(RAD50):c.2156T>A (p.Leu719Gln)

Gene: RAD50 (RAD50 double strand break repair protein; plus strand). Cytogenetic location: 5q31.1.
Variant type: single nucleotide variant.
Coding change: c.2156T>A on transcript NM_005732.4 (MANE Select); coding-DNA position 2156, T replaced by A.
Protein change: p.Leu719Gln; replaces leucine 719 with glutamine.
Molecular consequence: missense variant.
Genome position (GRCh38, 1-based): chr5:132,595,759, T>A. VCF-style: chr5-132595759-T-A. GRCh37 (hg19) VCF-style: chr5-131931451-T-A.
Other names: short protein forms L719Q.
Identifiers: ClinVar variation 1786823 (VCV001786823.2), dbSNP rs2479652240, ClinGen allele CA360950512.
Genomic context (GRCh38, chr5:132,595,759, plus strand): 5'-GTGATTTGCAGTCTAAACTGCGACTTGCTCCAGATAAACTCAAGTCAACAGAATCAGAGC[T>A]AAAAAAAAAGGAAAAGCGGCGTGATGAAATGCTGGGACTTGTGCCCATGAGGTAAGAATG-3'
Protein context (NP_005723.2, residues 709-729): PDKLKSTESE[Leu719Gln]KKKEKRRDEM

ClinVar aggregate classification (germline): Uncertain significance (1 of 4 stars; one submission).

Conditions:
Hereditary cancer-predisposing syndrome. Also called: Neoplastic Syndromes, Hereditary; Tumor predisposition; Hereditary Cancer Syndrome; Hereditary neoplastic syndrome. Identifiers: Orphanet 140162, MedGen C0027672, MeSH D009386, MONDO:0015356.

Submission:

Ambry Genetics
Classification: Uncertain significance for Hereditary cancer-predisposing syndrome. Last evaluated: 2021-12-10. Review status: criteria provided, single submitter. Criteria: Ambry Variant Classification Scheme 2023. Collection method: clinical testing. Allele origin: germline.
Comment: The p.L719Q variant (also known as c.2156T>A), located in coding exon 13 of the RAD50 gene, results from a T to A substitution at nucleotide position 2156. The leucine at codon 719 is replaced by glutamine, an amino acid with dissimilar properties. This amino acid position is conserved. In addition, the in silico prediction for this alteration is inconclusive. Since supporting evidence is limited at this time, the clinical significance of this alteration remains unclear.